The following is an entry in ClinVar:

ClinVar aggregate classification (germline): Uncertain significance (1 of 4 stars; one submission).

Submission:

Labcorp Genetics (formerly Invitae), Labcorp
Classification: Uncertain significance. Last evaluated: 2024-06-24. Review status: criteria provided, single submitter. Criteria: Invitae Variant Classification Sherloc (09022015). Collection method: clinical testing. Allele origin: germline.
Comment: This sequence change replaces threonine, which is neutral and polar, with alanine, which is neutral and non-polar, at codon 907 of the FLNB protein (p.Thr907Ala). This variant is not present in population databases (gnomAD no frequency). This variant has not been reported in the literature in individuals affected with FLNB-related conditions. Advanced modeling of protein sequence and biophysical properties (such as structural, functional, and spatial information, amino acid conservation, physicochemical variation, residue mobility, and thermodynamic stability) performed at Invitae indicates that this missense variant is not expected to disrupt FLNB protein function with a negative predictive value of 95%. In summary, the available evidence is currently insufficient to determine the role of this variant in disease. Therefore, it has been classified as a Variant of Uncertain Significance.

NM_001457.4(FLNB):c.2719A>G (p.Thr907Ala)

Gene: FLNB (filamin B; plus strand). Cytogenetic location: 3p14.3.
Variant type: single nucleotide variant.
Coding change: c.2719A>G on transcript NM_001457.4 (MANE Select); coding-DNA position 2719, A replaced by G.
Protein change: p.Thr907Ala; replaces threonine 907 with alanine.
Molecular consequence: missense variant.
Genome position (GRCh38, 1-based): chr3:58,112,292, A>G. VCF-style: chr3-58112292-A-G. GRCh37 (hg19) VCF-style: chr3-58098019-A-G.
Other names: c.2719A>G, p.Thr907Ala (NM_001164317.2, NM_001164318.2, NM_001164319.2); short protein forms T907A.
Identifiers: ClinVar variation 3007413 (VCV003007413.3), dbSNP rs994062150, ClinGen allele CA75437549.